The following is an entry in ClinVar:

NM_004415.4(DSP):c.3521T>C (p.Leu1174Ser)

Gene: DSP (desmoplakin; plus strand). Cytogenetic location: 6p24.3.
Variant type: single nucleotide variant.
Coding change: c.3521T>C on transcript NM_004415.4 (MANE Select); coding-DNA position 3521, T replaced by C.
Protein change: p.Leu1174Ser; replaces leucine 1174 with serine.
Molecular consequence: missense variant.
Genome position (GRCh38, 1-based): chr6:7,579,711, T>C. VCF-style: chr6-7579711-T-C. GRCh37 (hg19) VCF-style: chr6-7579944-T-C.
Other names: c.3521T>C, p.Leu1174Ser (NM_001008844.3, NM_001319034.2); short protein forms L1174S.
Identifiers: ClinVar variation 2775296 (VCV002775296.2), dbSNP rs2533924122, ClinGen allele CA362684253.

ClinVar aggregate classification (germline): Uncertain significance (1 of 4 stars; one submission).

Conditions:
Cardiomyopathy (CMYO). Also called: Cardiomyopathies. Identifiers: Orphanet 167848, MedGen C0878544, MONDO:0004994, HP:0001638. Inheritance: Various modes of inheritance.

Submission:

Color Diagnostics, LLC DBA Color Health
Classification: Uncertain significance for Cardiomyopathy. Last evaluated: 2022-12-24. Review status: criteria provided, single submitter. Criteria: ACMG Guidelines, 2015. Collection method: clinical testing. Allele origin: germline.
Comment: This missense variant replaces leucine with serine at codon 1174 of the DSP protein. Computational prediction is inconclusive regarding the impact of this variant on protein structure and function (internally defined REVEL score threshold 0.5 < inconclusive < 0.7, PMID: 27666373). To our knowledge, functional studies have not been reported for this variant. This variant has not been reported in individuals affected with DSP-related disorders in the literature. This variant has not been identified in the general population by the Genome Aggregation Database (gnomAD). The available evidence is insufficient to determine the role of this variant in disease conclusively. Therefore, this variant is classified as a Variant of Uncertain Significance.